The following is an entry in ClinVar:

ClinVar aggregate classification (germline): Uncertain significance. Review status: criteria provided, multiple submitters, no conflicts (2 of 4 stars). 4 submissions from 4 submitters: Uncertain significance (4). Last evaluated 2025-03-20.

Conditions:
Autosomal recessive ataxia, Beauce type. Also called: SYNE1 Deficiency; Spinocerebellar ataxia, autosomal recessive 8; ATAXIA, RECESSIVE, OF BEAUCE; SYNE1-Related Autosomal Recessive Cerebellar Ataxia. Identifiers: Orphanet 88644, MedGen C1853116, MONDO:0012549, OMIM 610743.
Emery-Dreifuss muscular dystrophy 4, autosomal dominant (EDMD4). Also called: EMERY-DREIFUSS MUSCULAR DYSTROPHY 4 WITH VARIABLE FEATURES. Identifiers: Orphanet 261, MedGen C2751807, MONDO:0013071, OMIM 612998.

Allele frequency attached by ClinVar (database versions not stated): ExAC 0.00001; gnomAD 0.00001; TOPMed 0.00001; gnomAD exomes 0.00002 and 0.00003; ESP Exome Variant Server 0.00008; 1000 Genomes Project 30x 0.00016; 1000 Genomes Project 0.00020.
gnomAD v4.1: 43 of 1,613,966 alleles (0.0027%); highest among the groups gnomAD compares: Admixed American, 0.0067%; no homozygotes.

Submissions (4):

Revvity Omics, Revvity
Classification: Uncertain significance. Last evaluated: 2025-03-20. Review status: criteria provided, single submitter. Criteria: ACMG Guidelines, 2015. Collection method: clinical testing. Allele origin: germline.

Blueprint Genetics
Classification: Uncertain significance. Last evaluated: 2024-10-11. Review status: criteria provided, single submitter. Criteria: ACMG Guidelines, 2015. Collection method: clinical testing. Allele origin: germline.

Labcorp Genetics (formerly Invitae), Labcorp
Classification: Uncertain significance for Emery-Dreifuss muscular dystrophy 4, autosomal dominant; Autosomal recessive ataxia, Beauce type. Last evaluated: 2022-10-25. Review status: criteria provided, single submitter. Criteria: Invitae Variant Classification Sherloc (09022015). Collection method: clinical testing. Allele origin: germline.
Comment: This sequence change replaces glycine, which is neutral and non-polar, with serine, which is neutral and polar, at codon 2444 of the SYNE1 protein (p.Gly2444Ser). This variant is present in population databases (rs140948068, gnomAD 0.006%). This variant has not been reported in the literature in individuals affected with SYNE1-related conditions. ClinVar contains an entry for this variant (Variation ID: 576337). Algorithms developed to predict the effect of missense changes on protein structure and function are either unavailable or do not agree on the potential impact of this missense change (SIFT: "Deleterious"; PolyPhen-2: "Benign"; Align-GVGD: "Class C55"). In summary, the available evidence is currently insufficient to determine the role of this variant in disease. Therefore, it has been classified as a Variant of Uncertain Significance.

GeneDx
Classification: Uncertain significance. Last evaluated: 2021-11-09. Review status: criteria provided, single submitter. Criteria: GeneDx Variant Classification Process June 2021. Collection method: clinical testing. Allele origin: germline. Affected: yes.
Comment: Not observed at significant frequency in large population cohorts (Lek et al., 2016); In silico analysis supports that this missense variant does not alter protein structure/function; Has not been previously published as pathogenic or benign to our knowledge

NM_182961.4(SYNE1):c.7309G>A (p.Gly2437Ser)

Gene: SYNE1 (spectrin repeat containing nuclear envelope protein 1; minus strand). Cytogenetic location: 6q25.2.
Variant type: single nucleotide variant.
Coding change: c.7309G>A on transcript NM_182961.4 (MANE Select); coding-DNA position 7309, G replaced by A.
Protein change: p.Gly2437Ser; replaces glycine 2437 with serine.
Molecular consequence: missense variant.
Genome position (GRCh38, 1-based): chr6:152,398,660, C>T on the plus strand (G>A on the coding strand, the complement: SYNE1 is on the minus strand). VCF-style: chr6-152398660-C-T. GRCh37 (hg19) VCF-style: chr6-152719795-C-T.
Other names: c.7330G>A, p.Gly2444Ser (NM_033071.5); short protein forms G2444S, G2437S.
Identifiers: ClinVar variation 576337 (VCV000576337.12), dbSNP rs140948068, ClinGen allele CA4057851.